The following is an entry in ClinVar:

NM_001374353.1(GLI2):c.1217G>A (p.Arg406Lys)

Gene: GLI2 (GLI family zinc finger 2; plus strand). Cytogenetic location: 2q14.2.
Variant type: single nucleotide variant.
Coding change: c.1217G>A on transcript NM_001374353.1 (MANE Select); coding-DNA position 1217, G replaced by A.
Protein change: p.Arg406Lys; replaces arginine 406 with lysine.
Molecular consequence: missense variant.
Genome position (GRCh38, 1-based): chr2:120,975,009, G>A. VCF-style: chr2-120975009-G-A. GRCh37 (hg19) VCF-style: chr2-121732585-G-A.
Other names: c.1268G>A, p.Arg423Lys (NM_001371271.1, NM_005270.5); c.842G>A, p.Arg281Lys (NM_001374354.1); short protein forms R281K, R406K, R423K.
Identifiers: ClinVar variation 3349006 (VCV003349006.1).

ClinVar aggregate classification (germline): Uncertain significance (0 of 4 stars; one submission).

Conditions:
GLI2-related disorder. Also called: GLI2-related condition; GLI2-related disorders.

gnomAD v4.1: 13 of 1,614,058 alleles (0.00081%); highest among the groups gnomAD compares: Non-Finnish European, 0.0011%; no homozygotes.

Submission:

PreventionGenetics, part of Exact Sciences
Classification: Uncertain significance for GLI2-related condition. Last evaluated: 2024-04-29. Review status: no assertion criteria provided. Collection method: clinical testing. Allele origin: germline.
Comment: The GLI2 c.1268G>A variant is predicted to result in the amino acid substitution p.Arg423Lys. To our knowledge, this variant has not been reported in the literature. This variant is reported in 0.0065% of alleles in individuals of European (non-Finnish) descent in gnomAD. At this time, the clinical significance of this variant is uncertain due to the absence of conclusive functional and genetic evidence.